The following is an entry in ClinVar:

ClinVar aggregate classification (germline): Likely pathogenic (1 of 4 stars; one submission).

Conditions:
Spinocerebellar ataxia, autosomal recessive 33 (SCAR33). Identifiers: MedGen C5774297, MONDO:0859360, OMIM 620208.

gnomAD v4.1: 46 of 171,532 alleles (0.027%); highest among the groups gnomAD compares: South Asian, 0.057%; no homozygotes.

Submission:

Institute of Human Genetics Munich, TUM University Hospital
Classification: Likely pathogenic for Spinocerebellar ataxia, autosomal recessive 33. Last evaluated: 2026-01-15. Review status: criteria provided, single submitter. Criteria: Classification criteria August 2017. Collection method: clinical testing. Allele origin: maternal. Inheritance: Autosomal recessive inheritance. Affected: yes. Observed: 1 variant allele.

NR_029422.2(RNU12):n.85G>A

Gene: RNU12 (RNA, U12 small nuclear; plus strand). Cytogenetic location: 22q13.2.
Variant type: single nucleotide variant.
Molecular consequence: non-coding transcript variant (on NR_029422.2).
Genome position: GRCh38 VCF-style: chr22-42615328-G-A. GRCh37 (hg19) VCF-style: chr22-43011334-G-A.
Identifiers: ClinVar variation 4884778 (VCV004884778.1).